The following is an entry in ClinVar:

ClinVar aggregate classification (germline): Uncertain significance (1 of 4 stars; one submission).

Submission:

GeneDx
Classification: Uncertain significance. Last evaluated: 2023-08-07. Review status: criteria provided, single submitter. Criteria: GeneDx Variant Classification Process June 2021. Collection method: clinical testing. Allele origin: germline. Affected: yes.
Comment: Not observed at significant frequency in large population cohorts (gnomAD); In silico analysis supports that this missense variant does not alter protein structure/function; Has not been previously published as pathogenic or benign to our knowledge

NM_004397.6(DDX6):c.584A>G (p.Lys195Arg)

Gene: DDX6 (DEAD-box helicase 6; minus strand). Cytogenetic location: 11q23.3.
Variant type: single nucleotide variant.
Coding change: c.584A>G on transcript NM_004397.6 (MANE Select); coding-DNA position 584, A replaced by G.
Protein change: p.Lys195Arg; replaces lysine 195 with arginine.
Molecular consequence: missense variant. On other transcripts: intron variant (3).
Genome position (GRCh38, 1-based): chr11:118,765,271, T>C on the plus strand (A>G on the coding strand, the complement: DDX6 is on the minus strand). VCF-style: chr11-118765271-T-C. GRCh37 (hg19) VCF-style: chr11-118635979-T-C.
Other names: c.584A>G, p.Lys195Arg (NM_001257191.3, NM_001425145.1, NM_001425146.1 and 2 more transcripts); c.581A>G, p.Lys194Arg (NM_001425147.1, NM_001425148.1); c.260A>G, p.Lys87Arg (NM_001425154.1); c.500-1965A>G (NM_001425153.1, NM_001425152.1, NM_001425151.1); short protein forms K194R, K195R, K87R.
Identifiers: ClinVar variation 3361798 (VCV003361798.1).